The following is an entry in ClinVar:

ClinVar aggregate classification (germline): Uncertain significance. Review status: criteria provided, multiple submitters, no conflicts (2 of 4 stars). 2 submissions from 2 submitters: Uncertain significance (2). Last evaluated 2023-03-23.

Conditions:
Inborn genetic diseases. Identifiers: MedGen C0950123, MeSH D030342.

Allele frequency attached by ClinVar (database versions not stated): ExAC 0.00001; gnomAD exomes 0.00001.

Submissions (2):

Ambry Genetics
Classification: Uncertain significance for Inborn genetic diseases. Last evaluated: 2023-03-23. Review status: criteria provided, single submitter. Criteria: Ambry Variant Classification Scheme 2023. Collection method: clinical testing. Allele origin: germline.
Comment: The c.5428C>T (p.R1810W) alteration is located in exon 34 (coding exon 34) of the CAD gene. This alteration results from a C to T substitution at nucleotide position 5428, causing the arginine (R) at amino acid position 1810 to be replaced by a tryptophan (W). Based on data from gnomAD, the T allele has an overall frequency of 0.001% (3/235304) total alleles studied. The highest observed frequency was 0.007% (2/27500) of South Asian alleles. Additional individuals were identified with low allele balance and not included in allele counts in gnomAD. Another alteration at the same codon, c.5429G>A (p.R1810Q), has been reported in combination with a second CAD alteration in multiple unrelated individuals with features consistent with CAD-related developmental and epileptic encephalopathy (Rymen, 2020; McGraw, 2021). This amino acid position is well conserved in available vertebrate species. The in silico prediction for this alteration is inconclusive. Based on insufficient or conflicting evidence, the clinical significance of this alteration remains unclear.

Labcorp Genetics (formerly Invitae), Labcorp
Classification: Uncertain significance. Last evaluated: 2022-05-17. Review status: criteria provided, single submitter. Criteria: Invitae Variant Classification Sherloc (09022015). Collection method: clinical testing. Allele origin: germline.
Comment: This sequence change replaces arginine, which is basic and polar, with tryptophan, which is neutral and slightly polar, at codon 1810 of the CAD protein (p.Arg1810Trp). The frequency data for this variant in the population databases is considered unreliable, as metrics indicate poor data quality at this position in the gnomAD database. This variant has not been reported in the literature in individuals affected with CAD-related conditions. Algorithms developed to predict the effect of missense changes on protein structure and function are either unavailable or do not agree on the potential impact of this missense change (SIFT: "Deleterious"; PolyPhen-2: "Possibly Damaging"; Align-GVGD: "Class C0"). Algorithms developed to predict the effect of sequence changes on RNA splicing suggest that this variant may disrupt the consensus splice site. This variant disrupts the p.Arg1810 amino acid residue in CAD. Other variant(s) that disrupt this residue have been determined to be pathogenic (PMID: 32820246, 33497533). This suggests that this residue is clinically significant, and that variants that disrupt this residue are likely to be disease-causing. In summary, the available evidence is currently insufficient to determine the role of this variant in disease. Therefore, it has been classified as a Variant of Uncertain Significance.

Literature cited by the submitters: PubMed 32820246 (cited by Ambry Genetics and Labcorp Genetics (formerly Invitae), Labcorp); PubMed 33497533 (cited by Ambry Genetics and Labcorp Genetics (formerly Invitae), Labcorp).

NM_004341.5(CAD):c.5428C>T (p.Arg1810Trp)

Gene: CAD (carbamoyl-phosphate synthetase 2, aspartate transcarbamylase, and dihydroorotase; plus strand). Cytogenetic location: 2p23.3.
Variant type: single nucleotide variant.
Coding change: c.5428C>T on transcript NM_004341.5 (MANE Select); coding-DNA position 5428, C replaced by T.
Protein change: p.Arg1810Trp; replaces arginine 1810 with tryptophan.
Molecular consequence: missense variant.
Genome position (GRCh38, 1-based): chr2:27,239,730, C>T. VCF-style: chr2-27239730-C-T. GRCh37 (hg19) VCF-style: chr2-27462598-C-T.
Other names: c.5239C>T, p.Arg1747Trp (NM_001306079.2); c.5428C>T (NM_004341.3); short protein forms R1747W, R1810W.
Identifiers: ClinVar variation 1450917 (VCV001450917.4), dbSNP rs749313159, ClinGen allele CA1573862.